The following is an entry in ClinVar:

NM_014159.7(SETD2):c.3643A>G (p.Lys1215Glu)

Gene: SETD2 (SET domain containing 2, histone lysine methyltransferase; minus strand). Cytogenetic location: 3p21.31.
Variant type: single nucleotide variant.
Coding change: c.3643A>G on transcript NM_014159.7 (MANE Select); coding-DNA position 3643, A replaced by G.
Protein change: p.Lys1215Glu; replaces lysine 1215 with glutamic acid.
Molecular consequence: missense variant. On other transcripts: non-coding transcript variant (1).
Genome position (GRCh38, 1-based): chr3:47,120,993, T>C on the plus strand (A>G on the coding strand, the complement: SETD2 is on the minus strand). VCF-style: chr3-47120993-T-C. GRCh37 (hg19) VCF-style: chr3-47162483-T-C.
Other names: c.3511A>G, p.Lys1171Glu (NM_001349370.3); short protein forms K1171E, K1215E.
Identifiers: ClinVar variation 3350471 (VCV003350471.1).

ClinVar aggregate classification (germline): Likely benign (0 of 4 stars; one submission).

Conditions:
SETD2-related disorder.

gnomAD v4.1: 21 of 1,614,222 alleles (0.0013%); highest among the groups gnomAD compares: Non-Finnish European, 0.0017%; no homozygotes.

Submission:

PreventionGenetics, part of Exact Sciences
Classification: Likely benign for SETD2-related condition. Last evaluated: 2024-03-07. Review status: no assertion criteria provided. Collection method: clinical testing. Allele origin: germline.
Comment: This variant is classified as likely benign based on ACMG/AMP sequence variant interpretation guidelines (Richards et al. 2015 PMID: 25741868, with internal and published modifications).